The following is an entry in ClinVar:

ClinVar aggregate classification (germline): Uncertain significance (1 of 4 stars; one submission).

gnomAD v4.1: 5 of 1,614,212 alleles (0.00031%); highest among the groups gnomAD compares: South Asian, 0.0011%; no homozygotes.

Submission:

Labcorp Genetics (formerly Invitae), Labcorp
Classification: Uncertain significance. Last evaluated: 2024-10-10. Review status: criteria provided, single submitter. Criteria: Invitae Variant Classification Sherloc (09022015). Collection method: clinical testing. Allele origin: germline.
Comment: This sequence change replaces histidine, which is basic and polar, with tyrosine, which is neutral and polar, at codon 882 of the ATP1A1 protein (p.His882Tyr). This variant is not present in population databases (gnomAD no frequency). This variant has not been reported in the literature in individuals affected with ATP1A1-related conditions. Invitae Evidence Modeling of protein sequence and biophysical properties (such as structural, functional, and spatial information, amino acid conservation, physicochemical variation, residue mobility, and thermodynamic stability) indicates that this missense variant is not expected to disrupt ATP1A1 protein function with a negative predictive value of 95%. In summary, the available evidence is currently insufficient to determine the role of this variant in disease. Therefore, it has been classified as a Variant of Uncertain Significance.

NM_000701.8(ATP1A1):c.2644C>T (p.His882Tyr)

Genes: ATP1A1 (ATPase Na+/K+ transporting subunit alpha 1; plus strand), ATP1A1-AS1 (ATP1A1 antisense RNA 1; minus strand). Cytogenetic location: 1p13.1.
Variant type: single nucleotide variant.
Coding change: c.2644C>T on transcript NM_000701.8 (MANE Select); coding-DNA position 2644, C replaced by T.
Protein change: p.His882Tyr; replaces histidine 882 with tyrosine.
Molecular consequence: missense variant. On other transcripts: non-coding transcript variant (2).
Genome position (GRCh38, 1-based): chr1:116,400,932, C>T. VCF-style: chr1-116400932-C-T. GRCh37 (hg19) VCF-style: chr1-116943554-C-T.
Other names: c.2644C>T, p.His882Tyr (NM_001160233.2); c.2551C>T, p.His851Tyr (NM_001160234.2); short protein forms H851Y, H882Y.
Identifiers: ClinVar variation 3673681 (VCV003673681.2).
Genomic context (GRCh38, chr1:116,400,932, plus strand): 5'-GCCCTGGGAGGCTTCTTTACTTACTTTGTGATTCTGGCTGAGAACGGCTTCCTCCCAATT[C>T]ACCTGTTGGGCCTCCGAGTGGACTGGGATGACCGCTGGATCAACGATGTGGAAGACAGCT-3'
Protein context (NP_000692.2, residues 872-892): ILAENGFLPI[His882Tyr]LLGLRVDWDD